The following is an entry in ClinVar:

ClinVar aggregate classification (germline): Pathogenic (1 of 4 stars; one submission).

Conditions:
KBG syndrome (KBGS). Also called: ANKRD11-Related KBG Syndrome. Identifiers: Orphanet 2332, MedGen C0220687, MONDO:0007846, OMIM 148050.

Submission:

Labcorp Genetics (formerly Invitae), Labcorp
Classification: Pathogenic for KBG syndrome. Last evaluated: 2025-04-02. Review status: criteria provided, single submitter. Criteria: Invitae Variant Classification Sherloc (09022015). Collection method: clinical testing. Allele origin: germline.
Comment: This sequence change creates a premature translational stop signal (p.Met2166Ilefs*10) in the ANKRD11 gene. It is expected to result in an absent or disrupted protein product. Loss-of-function variants in ANKRD11 are known to be pathogenic (PMID: 21782149, 25125236, 25413698, 25652421). This variant is not present in population databases (gnomAD no frequency). This variant has not been reported in the literature in individuals affected with ANKRD11-related conditions. For these reasons, this variant has been classified as Pathogenic.

Literature cited by the submitters: PubMed 21782149; PubMed 25125236; PubMed 25413698; PubMed 25652421.

NM_013275.6(ANKRD11):c.6496_6497dup (p.Met2166fs)

Gene: ANKRD11 (ankyrin repeat domain 11; minus strand). Cytogenetic location: 16q24.3.
Variant type: Duplication.
Coding change: c.6496_6497dup on transcript NM_013275.6 (MANE Select); coding-DNA positions 6496 to 6497, 2 bases duplicated (AT; older notation c.6496_6497dupAT).
Protein change: p.Met2166fs; shifts the reading frame from methionine 2166.
Molecular consequence: frameshift variant.
Genome position (GRCh38, 1-based): chr16:89,280,045-89,280,046, AT duplicated on the plus strand (AT on the coding strand, the reverse complement: ANKRD11 is on the minus strand). VCF-style (leftmost placement, unchanged base first): chr16-89280044-C-CAT. GRCh37 (hg19) VCF-style: chr16-89346452-C-CAT.
Other names: c.6496_6497dup, p.Met2166fs (NM_001256182.2, NM_001256183.2); short protein forms M2166fs.
Identifiers: ClinVar variation 4716515 (VCV004716515.1).